The following is an entry in ClinVar:

ClinVar aggregate classification (germline): Uncertain significance (1 of 4 stars; one submission).

Conditions:
Progressive familial heart block type IB (PFHB1B). Identifiers: Orphanet 871, MedGen C1970298, MONDO:0011474, OMIM 604559.

Submission:

Labcorp Genetics (formerly Invitae), Labcorp
Classification: Uncertain significance for Progressive familial heart block type IB. Last evaluated: 2024-02-29. Review status: criteria provided, single submitter. Criteria: Invitae Variant Classification Sherloc (09022015). Collection method: clinical testing. Allele origin: germline.
Comment: This sequence change replaces aspartic acid, which is acidic and polar, with glutamic acid, which is acidic and polar, at codon 309 of the TRPM4 protein (p.Asp309Glu). This variant is not present in population databases (gnomAD no frequency). This variant has not been reported in the literature in individuals affected with TRPM4-related conditions. An algorithm developed to predict the effect of missense changes on protein structure and function (PolyPhen-2) suggests that this variant is likely to be disruptive. In summary, the available evidence is currently insufficient to determine the role of this variant in disease. Therefore, it has been classified as a Variant of Uncertain Significance.

NM_017636.4(TRPM4):c.927C>G (p.Asp309Glu)

Gene: TRPM4 (transient receptor potential cation channel subfamily M member 4; plus strand). Cytogenetic location: 19q13.33.
Variant type: single nucleotide variant.
Coding change: c.927C>G on transcript NM_017636.4 (MANE Select); coding-DNA position 927, C replaced by G.
Protein change: p.Asp309Glu; replaces aspartic acid 309 with glutamic acid.
Molecular consequence: missense variant. On other transcripts: 5 prime UTR variant (1).
Genome position (GRCh38, 1-based): chr19:49,171,646, C>G. VCF-style: chr19-49171646-C-G. GRCh37 (hg19) VCF-style: chr19-49674903-C-G.
Other names: c.927C>G, p.Asp309Glu (NM_001195227.2); c.582C>G, p.Asp194Glu (NM_001321281.2); c.-627C>G (NM_001321282.2); c.405C>G, p.Asp135Glu (NM_001321283.2); c.78C>G, p.Asp26Glu (NM_001321285.2); short protein forms D26E, D194E, D309E, D135E.
Identifiers: ClinVar variation 3643705 (VCV003643705.2).